The following is an entry in ClinVar:

NM_000260.4(MYO7A):c.1798-2A>G

Gene: MYO7A (myosin VIIA; plus strand). Cytogenetic location: 11q13.5.
Variant type: single nucleotide variant.
Coding change: c.1798-2A>G on transcript NM_000260.4 (MANE Select); the canonical splice acceptor site of the intron before coding-DNA position 1798, A replaced by G.
Molecular consequence: splice acceptor variant.
Genome position (GRCh38, 1-based): chr11:77,172,746, A>G. VCF-style: chr11-77172746-A-G. GRCh37 (hg19) VCF-style: chr11-76883792-A-G.
Other names: c.1798-2A>G (NM_001127180.2); c.1765-2A>G (NM_001369365.1).
Identifiers: ClinVar variation 2078820 (VCV002078820.4), dbSNP rs894309052, ClinGen allele CA381938125.

ClinVar aggregate classification (germline): Pathogenic (1 of 4 stars; one submission).

gnomAD v4.1: 1 of 1,555,114 alleles (0.000064%); highest among the groups gnomAD compares: Non-Finnish European, 0.000087%; no homozygotes.

Submission:

Labcorp Genetics (formerly Invitae), Labcorp
Classification: Pathogenic. Last evaluated: 2022-11-08. Review status: criteria provided, single submitter. Criteria: Invitae Variant Classification Sherloc (09022015). Collection method: clinical testing. Allele origin: germline.
Comment: Disruption of this splice site has been observed in individuals with Usher syndrome (PMID: 27460420; Invitae). This variant is not present in population databases (gnomAD no frequency). This sequence change affects an acceptor splice site in intron 15 of the MYO7A gene. It is expected to disrupt RNA splicing. Variants that disrupt the donor or acceptor splice site typically lead to a loss of protein function (PMID: 16199547), and loss-of-function variants in MYO7A are known to be pathogenic (PMID: 8900236, 25404053). For these reasons, this variant has been classified as Pathogenic. Algorithms developed to predict the effect of sequence changes on RNA splicing suggest that this variant may disrupt the consensus splice site.

Literature cited by the submitters: PubMed 27460420; PubMed 16199547; PubMed 8900236; PubMed 25404053.